The following is an entry in ClinVar:

ClinVar aggregate classification (germline): Uncertain significance (1 of 4 stars; one submission).

gnomAD v4.1: 1 of 1,613,996 alleles (0.000062%); no homozygotes.

Submission:

GeneDx
Classification: Uncertain significance. Last evaluated: 2024-01-24. Review status: criteria provided, single submitter. Criteria: GeneDx Variant Classification Process June 2021. Collection method: clinical testing. Allele origin: germline. Affected: yes.
Comment: Not observed at significant frequency in large population cohorts (gnomAD); In silico analysis supports that this missense variant does not alter protein structure/function; Has not been previously published as pathogenic or benign to our knowledge

NM_014633.5(CTR9):c.1054A>G (p.Ile352Val)

Gene: CTR9 (CTR9 homolog, Paf1/RNA polymerase II complex component; plus strand). Cytogenetic location: 11p15.4.
Variant type: single nucleotide variant.
Coding change: c.1054A>G on transcript NM_014633.5 (MANE Select); coding-DNA position 1054, A replaced by G.
Protein change: p.Ile352Val; replaces isoleucine 352 with valine.
Molecular consequence: missense variant.
Genome position (GRCh38, 1-based): chr11:10,763,739, A>G. VCF-style: chr11-10763739-A-G. GRCh37 (hg19) VCF-style: chr11-10785286-A-G.
Other names: c.1054A>G, p.Ile352Val (NM_001346279.2); short protein forms I352V.
Identifiers: ClinVar variation 3368245 (VCV003368245.1).